The following is an entry in ClinVar:

NM_000057.4(BLM):c.2087G>A (p.Ser696Asn)

Gene: BLM (BLM RecQ like helicase; plus strand). Cytogenetic location: 15q26.1.
Variant type: single nucleotide variant.
Coding change: c.2087G>A on transcript NM_000057.4 (MANE Select); coding-DNA position 2087, G replaced by A.
Protein change: p.Ser696Asn; replaces serine 696 with asparagine.
Molecular consequence: missense variant.
Genome position (GRCh38, 1-based): chr15:90,765,308, G>A. VCF-style: chr15-90765308-G-A. GRCh37 (hg19) VCF-style: chr15-91308538-G-A.
Other names: c.2087G>A, p.Ser696Asn (NM_001287246.2, NM_001287247.2); c.962G>A, p.Ser321Asn (NM_001287248.2); c.2087G>A (NM_000057.2); short protein forms S696N, S321N.
Identifiers: ClinVar variation 839008 (VCV000839008.17), dbSNP rs773097986, ClinGen allele CA7738660.

ClinVar aggregate classification (germline): Uncertain significance. Review status: criteria provided, multiple submitters, no conflicts (2 of 4 stars). 4 submissions from 4 submitters: Uncertain significance (3). 1 of the submissions does not count toward it. Last evaluated 2025-07-27.

Conditions:
Bloom syndrome (BLM). Also called: Bloom-Torre-Machacek syndrome. Identifiers: Orphanet 125, MedGen C0005859, MONDO:0008876, OMIM 210900.
Hereditary cancer-predisposing syndrome. Also called: Neoplastic Syndromes, Hereditary; Tumor predisposition; Hereditary neoplastic syndrome; Hereditary Cancer Syndrome. Identifiers: Orphanet 140162, MedGen C0027672, MeSH D009386, MONDO:0015356.

Allele frequency attached by ClinVar (database versions not stated): gnomAD exomes below 0.00001; TOPMed below 0.00001; ExAC 0.00001; gnomAD 0.00001.
gnomAD v4.1: 2 of 1,609,982 alleles (0.00012%); highest among the groups gnomAD compares: Non-Finnish European, 0.00017%; no homozygotes.

Submissions (4):

Women's Health and Genetics/Laboratory Corporation of America, LabCorp
Classification: Uncertain significance. Last evaluated: 2025-07-27. Review status: criteria provided, single submitter. Criteria: LabCorp Variant Classification Summary - May 2015. Collection method: clinical testing. Allele origin: germline.

Ambry Genetics
Classification: Uncertain significance for Hereditary cancer-predisposing syndrome. Last evaluated: 2024-12-01. Review status: criteria provided, single submitter. Criteria: Ambry Variant Classification Scheme 2023. Collection method: clinical testing. Allele origin: germline.
Comment: The p.S696N variant (also known as c.2087G>A), located in coding exon 8 of the BLM gene, results from a G to A substitution at nucleotide position 2087. The serine at codon 696 is replaced by asparagine, an amino acid with highly similar properties. This amino acid position is highly conserved in available vertebrate species. In addition, the in silico prediction for this alteration is inconclusive. Since supporting evidence is limited at this time, the clinical significance of this alteration remains unclear.

Labcorp Genetics (formerly Invitae), Labcorp
Classification: Uncertain significance for Bloom syndrome. Last evaluated: 2022-01-18. Review status: criteria provided, single submitter. Criteria: Invitae Variant Classification Sherloc (09022015). Collection method: clinical testing. Allele origin: germline.
Comment: In summary, the available evidence is currently insufficient to determine the role of this variant in disease. Therefore, it has been classified as a Variant of Uncertain Significance. Algorithms developed to predict the effect of missense changes on protein structure and function are either unavailable or do not agree on the potential impact of this missense change (SIFT: "Deleterious"; PolyPhen-2: "Probably Damaging"; Align-GVGD: "Class C0"). ClinVar contains an entry for this variant (Variation ID: 839008). This variant has not been reported in the literature in individuals affected with BLM-related conditions. This variant is present in population databases (rs773097986, gnomAD 0.0009%). This sequence change replaces serine, which is neutral and polar, with asparagine, which is neutral and polar, at codon 696 of the BLM protein (p.Ser696Asn).

Natera, Inc.
Classification: Uncertain significance for Bloom syndrome. Last evaluated: 2021-05-21. Review status: no assertion criteria provided. Collection method: clinical testing. Allele origin: germline. Not counted in ClinVar's aggregate classification.